The following is an entry in ClinVar:

ClinVar aggregate classification (germline): Uncertain significance (1 of 4 stars; one submission).

Submission:

GeneDx
Classification: Uncertain significance. Last evaluated: 2024-02-04. Review status: criteria provided, single submitter. Criteria: GeneDx Variant Classification Process June 2021. Collection method: clinical testing. Allele origin: germline. Affected: yes.
Comment: Not observed at significant frequency in large population cohorts (gnomAD); In silico analysis supports that this missense variant has a deleterious effect on protein structure/function; Has not been previously published as pathogenic or benign to our knowledge

NM_001292034.3(TAB2):c.103A>G (p.Asn35Asp)

Gene: TAB2 (TGF-beta activated kinase 1 (MAP3K7) binding protein 2; plus strand). Cytogenetic location: 6q25.1.
Variant type: single nucleotide variant.
Coding change: c.103A>G on transcript NM_001292034.3 (MANE Select); coding-DNA position 103, A replaced by G.
Protein change: p.Asn35Asp; replaces asparagine 35 with aspartic acid.
Molecular consequence: missense variant.
Genome position (GRCh38, 1-based): chr6:149,378,018, A>G. VCF-style: chr6-149378018-A-G. GRCh37 (hg19) VCF-style: chr6-149699154-A-G.
Other names: c.7A>G, p.Asn3Asp (NM_001292035.3); c.103A>G, p.Asn35Asp (NM_001369506.1, NM_015093.6); short protein forms N35D, N3D.
Identifiers: ClinVar variation 432811 (VCV000432811.3), dbSNP rs1554263158, ClinGen allele CA365992829.